The following is an entry in ClinVar:

ClinVar aggregate classification (germline): Uncertain significance. Review status: criteria provided, single submitter (1 of 4 stars). 2 submissions from 2 submitters: Uncertain significance (1). 1 of the submissions does not count toward it. Last evaluated 2022-01-18.

Conditions:
Nephronophthisis. Also called: Juvenile Nephronophthisis. Identifiers: Orphanet 655, MedGen C0687120, MONDO:0019005, HP:0000090.
IQCB1-related disorder. Also called: IQCB1-related condition.

Allele frequency attached by ClinVar (database versions not stated): gnomAD exomes below 0.00001 and 0.00002; TOPMed below 0.00001; ExAC 0.00002.
gnomAD v4.1: 6 of 1,525,218 alleles (0.00039%); highest among the groups gnomAD compares: East Asian, 0.014%; no homozygotes.

Submissions (2):

Labcorp Genetics (formerly Invitae), Labcorp
Classification: Uncertain significance for Nephronophthisis. Last evaluated: 2022-01-18. Review status: criteria provided, single submitter. Criteria: Invitae Variant Classification Sherloc (09022015). Collection method: clinical testing. Allele origin: germline.
Comment: This sequence change falls in intron 9 of the IQCB1 gene. It does not directly change the encoded amino acid sequence of the IQCB1 protein. This variant is present in population databases (rs779916519, gnomAD 0.03%). This variant has not been reported in the literature in individuals affected with IQCB1-related conditions. ClinVar contains an entry for this variant (Variation ID: 1060291). Algorithms developed to predict the effect of sequence changes on RNA splicing suggest that this variant may disrupt the consensus splice site. In summary, the available evidence is currently insufficient to determine the role of this variant in disease. Therefore, it has been classified as a Variant of Uncertain Significance.

PreventionGenetics, part of Exact Sciences
Classification: Uncertain significance for IQCB1-related condition. Last evaluated: 2024-02-08. Review status: no assertion criteria provided. Collection method: clinical testing. Allele origin: germline. Not counted in ClinVar's aggregate classification.
Comment: The IQCB1 c.877-8C>G variant is predicted to interfere with splicing. This variant is predicted to possibly affect the normal splicing (Alamut Visual Plus v1.6.1). To our knowledge, this variant has not been reported in the literature. This variant is reported in 0.027% of alleles in individuals of East Asian descent in gnomAD. At this time, the clinical significance of this variant is uncertain due to the absence of conclusive functional and genetic evidence.

NM_001023570.4(IQCB1):c.877-8C>G

Gene: IQCB1 (IQ motif containing B1; minus strand). Cytogenetic location: 3q13.33.
Variant type: single nucleotide variant.
Coding change: c.877-8C>G on transcript NM_001023570.4 (MANE Select); 8 bases into the intron before coding-DNA position 877, C replaced by G.
Molecular consequence: intron variant.
Genome position (GRCh38, 1-based): chr3:121,795,574, G>C on the plus strand (C>G on the coding strand, the complement: IQCB1 is on the minus strand). VCF-style: chr3-121795574-G-C. GRCh37 (hg19) VCF-style: chr3-121514421-G-C.
Other names: c.877-8C>G (NM_001319107.2, NM_001023570.3); c.588-5359C>G (NM_001023571.4).
Identifiers: ClinVar variation 1060291 (VCV001060291.8), dbSNP rs779916519, ClinGen allele CA2567258.